The following is an entry in ClinVar:

ClinVar aggregate classification (germline): Uncertain significance (1 of 4 stars; one submission).

Allele frequency attached by ClinVar (database versions not stated): gnomAD exomes 0.00002; gnomAD 0.00013; TOPMed 0.00013.
gnomAD v4.1: 34 of 1,612,868 alleles (0.0021%); highest among the groups gnomAD compares: Admixed American, 0.057%; no homozygotes.

Submission:

GeneDx
Classification: Uncertain significance. Last evaluated: 2022-10-25. Review status: criteria provided, single submitter. Criteria: GeneDx Variant Classification Process June 2021. Collection method: clinical testing. Allele origin: germline. Affected: yes.
Comment: In silico analysis supports that this missense variant does not alter protein structure/function; Has not been previously published as pathogenic or benign to our knowledge

NM_001846.4(COL4A2):c.1762C>T (p.Leu588Phe)

Genes: COL4A2 (collagen type IV alpha 2 chain; plus strand), COL4A2-AS2 (COL4A2 antisense RNA 2; minus strand). Cytogenetic location: 13q34.
Variant type: single nucleotide variant.
Coding change: c.1762C>T on transcript NM_001846.4 (MANE Select); coding-DNA position 1762, C replaced by T.
Protein change: p.Leu588Phe; replaces leucine 588 with phenylalanine.
Molecular consequence: missense variant.
Genome position (GRCh38, 1-based): chr13:110,462,370, C>T. VCF-style: chr13-110462370-C-T. GRCh37 (hg19) VCF-style: chr13-111114717-C-T.
Other names: short protein forms L588F.
Identifiers: ClinVar variation 2500401 (VCV002500401.1), dbSNP rs1453236518, ClinGen allele CA388738993.
Genomic context (GRCh38, chr13:110,462,370, plus strand): 5'-CCCGGGATGAAAGGTGACGATGGCAGCCCAGGCCGCGATGGGCTCGATGGATTCCCCGGC[C>T]TCCCAGGCCCTCCCGTGAGTAGCCACAAACTGCGGCAGCTCCGTCCTCTCTTCTTCATCC-3'
Protein context (NP_001837.2, residues 578-598): GRDGLDGFPG[Leu588Phe]PGPPGDGIKG